The following is an entry in ClinVar:

NM_015175.3(NBEAL2):c.7284del (p.Asn2428fs)

Gene: NBEAL2 (neurobeachin like 2; plus strand). Cytogenetic location: 3p21.31.
Variant type: Deletion.
Coding change: c.7284del on transcript NM_015175.3 (MANE Select); coding-DNA position 7284, one base deleted (C; older notation c.7284delC).
Protein change: p.Asn2428fs; shifts the reading frame from asparagine 2428.
Molecular consequence: frameshift variant.
Genome position (GRCh38, 1-based): chr3:47,007,300, C deleted. VCF-style (leftmost placement, unchanged base first): chr3-47007299-AC-A. GRCh37 (hg19) VCF-style: chr3-47048789-AC-A.
Other names: c.7182del, p.Asn2394fs (NM_001365116.2); c.7284delC (NM_015175.3); short protein forms N2394fs, N2428fs.
Identifiers: ClinVar variation 1185026 (VCV001185026.1), dbSNP rs2107453711, ClinGen allele CA2499216801.

ClinVar aggregate classification (germline): Likely pathogenic (1 of 4 stars; one submission).

Conditions:
Gray platelet syndrome (GPS). Also called: BLEEDING DISORDER, PLATELET-TYPE, 4. Identifiers: Orphanet 721, MedGen C0272302, MONDO:0007686, OMIM 139090.

Submission:

Johns Hopkins Genomics, Johns Hopkins University
Classification: Likely pathogenic for Gray platelet syndrome. Last evaluated: 2021-07-02. Review status: criteria provided, single submitter. Criteria: ACMG Guidelines, 2015. Collection method: clinical testing. Allele origin: germline.
Comment: NBEAL2 c.7284delC is is absent from a large population dataset and has not been reported in ClinVar nor the literature, to our knowledge. This frameshift variant results in a premature stop codon in exon 47 of 54 likely leading to nonsense-mediated decay and lack of protein production. We consider NBEAL2 c.7284delC to be likely pathogenic.